The following is an entry in ClinVar:

NM_000368.5(TSC1):c.3359_3360del (p.Glu1120fs)

Gene: TSC1 (TSC complex subunit 1; minus strand). Cytogenetic location: 9q34.13.
Variant type: Deletion.
Coding change: c.3359_3360del on transcript NM_000368.5 (MANE Select); coding-DNA positions 3359 to 3360, 2 bases deleted (AA; older notation c.3359_3360delAA).
Protein change: p.Glu1120fs; shifts the reading frame from glutamic acid 1120.
Molecular consequence: frameshift variant.
Genome position (GRCh38, 1-based): chr9:132,896,370-132,896,371, TT deleted on the plus strand (AA on the coding strand, the reverse complement: TSC1 is on the minus strand). VCF-style (leftmost placement, unchanged base first): chr9-132896369-GTT-G. GRCh37 (hg19) VCF-style: chr9-135771756-GTT-G.
Other names: c.3356_3357del, p.Glu1119fs (NM_001162426.2); c.3206_3207del, p.Glu1069fs (NM_001162427.2); c.2996_2997del, p.Glu999fs (NM_001362177.2); short protein forms E1120fs, E1069fs, E1119fs, E999fs.
Identifiers: ClinVar variation 949169 (VCV000949169.7), dbSNP rs1845040133, ClinGen allele CA1139659371.

ClinVar aggregate classification (germline): Uncertain significance (1 of 4 stars; one submission).

Conditions:
Tuberous sclerosis 1 (TSC1). Identifiers: Orphanet 805, MedGen C1854465, MONDO:0008612, OMIM 191100.

Submission:

Labcorp Genetics (formerly Invitae), Labcorp
Classification: Uncertain significance for Tuberous sclerosis 1. Last evaluated: 2021-09-29. Review status: criteria provided, single submitter. Criteria: Invitae Variant Classification Sherloc (09022015). Collection method: clinical testing. Allele origin: germline.
Comment: In summary, the available evidence is currently insufficient to determine the role of this variant in disease. Therefore, it has been classified as a Variant of Uncertain Significance. Experimental studies and prediction algorithms are not available or were not evaluated for this variant, and the functional significance of this variant is currently unknown. This variant has not been reported in the literature in individuals with TSC1-related conditions. This variant is not present in population databases (ExAC no frequency). This sequence change results in a premature translational stop signal in the TSC1 gene (p.Glu1120Alafs*38). While this is not anticipated to result in nonsense mediated decay, it is expected to disrupt the last 45 amino acids of the TSC1 protein.